The following is an entry in ClinVar:

NM_031483.7(ITCH):c.10A>G (p.Ser4Gly)

Gene: ITCH (itchy E3 ubiquitin protein ligase; plus strand). Cytogenetic location: 20q11.22.
Variant type: single nucleotide variant.
Coding change: c.10A>G on transcript NM_031483.7 (MANE Select); coding-DNA position 10, A replaced by G.
Protein change: p.Ser4Gly; replaces serine 4 with glycine.
Molecular consequence: missense variant. On other transcripts: 5 prime UTR variant (1).
Genome position (GRCh38, 1-based): chr20:34,393,821, A>G. VCF-style: chr20-34393821-A-G. GRCh37 (hg19) VCF-style: chr20-32981627-A-G.
Other names: c.10A>G, p.Ser4Gly (NM_001257137.3, NM_001324197.2, NM_001324198.2); c.-179A>G (NM_001257138.3); short protein forms S4G.
Identifiers: ClinVar variation 1036592 (VCV001036592.6), dbSNP rs764016207, ClinGen allele CA9821207.
Genomic context (GRCh38, chr20:34,393,821, plus strand): 5'-TGTTTACAGTGTCTCCTTTGCCATGTTCAGGTTTTCCAACCTATTGGTGGTATGTCTGAC[A>G]GTGGATCACAACTTGGTTCAATGGGTAGCCTCACCATGAAATCACAGCTTCAGATCACTG-3'
Protein context (NP_113671.3, residues 1-14): MSD[Ser4Gly]GSQLGSMGSL

ClinVar aggregate classification (germline): Uncertain significance (1 of 4 stars; one submission).

Conditions:
Syndromic multisystem autoimmune disease due to ITCH deficiency. Also called: AUTOIMMUNE DISEASE, MULTISYSTEM, WITH FACIAL DYSMORPHISM. Identifiers: Orphanet 228426, MedGen C3150649, MONDO:0013245, OMIM 613385.

Allele frequency attached by ClinVar (database versions not stated): gnomAD exomes 0.00001 and 0.00002; TOPMed 0.00002; ExAC 0.00004.
gnomAD v4.1: 18 of 1,613,670 alleles (0.0011%); highest among the groups gnomAD compares: East Asian, 0.025%; no homozygotes.

Submission:

Labcorp Genetics (formerly Invitae), Labcorp
Classification: Uncertain significance for Syndromic multisystem autoimmune disease due to ITCH deficiency. Last evaluated: 2020-06-09. Review status: criteria provided, single submitter. Criteria: Invitae Variant Classification Sherloc (09022015). Collection method: clinical testing. Allele origin: germline.
Comment: In summary, the available evidence is currently insufficient to determine the role of this variant in disease. Therefore, it has been classified as a Variant of Uncertain Significance. Algorithms developed to predict the effect of missense changes on protein structure and function are either unavailable or do not agree on the potential impact of this missense change (SIFT: "Not Available"; PolyPhen-2: "Benign"; Align-GVGD: "Not Available"). This variant has not been reported in the literature in individuals with ITCH-related conditions. This variant is present in population databases (rs764016207, ExAC 0.03%). This sequence change replaces serine with glycine at codon 4 of the ITCH protein (p.Ser4Gly). The serine residue is moderately conserved and there is a small physicochemical difference between serine and glycine.